The following is an entry in ClinVar:

NM_001042492.3(NF1):c.3206_3207dup (p.Gln1070fs)

Gene: NF1 (neurofibromin 1; plus strand). Cytogenetic location: 17q11.2.
Variant type: Duplication.
Coding change: c.3206_3207dup on transcript NM_001042492.3 (MANE Select); coding-DNA positions 3206 to 3207, 2 bases duplicated (AC; older notation c.3206_3207dupAC).
Protein change: p.Gln1070fs; shifts the reading frame from glutamine 1070.
Molecular consequence: frameshift variant.
Genome position (GRCh38, 1-based): chr17:31,232,081-31,232,082, AC duplicated. VCF-style (leftmost placement, unchanged base first): chr17-31232080-G-GAC. GRCh37 (hg19) VCF-style: chr17-29559098-G-GAC.
Other names: c.3206_3207dup, p.Gln1070Thrfs (NM_000267.4); short protein forms Q1070fs.
Identifiers: ClinVar variation 3370277 (VCV003370277.2).

ClinVar aggregate classification (germline): Likely pathogenic (0 of 4 stars; one submission).

Conditions:
Neurofibromatosis, type 1 (NF1). Also called: Neurofibromatosis, type I; VON RECKLINGHAUSEN DISEASE; NEUROFIBROMATOSIS, TYPE I, SOMATIC; Peripheral type neurofibromatosis. Identifiers: Orphanet 636, MedGen C0027831, MONDO:0018975, OMIM 162200. Disease mechanism: loss of function.

Submission:

CGC Genetics, Unilabs
Classification: Likely pathogenic for Neurofibromatosis, type 1. Last evaluated: 2024-10-30. Review status: no assertion criteria provided. Collection method: clinical testing. Allele origin: unknown. Inheritance: Autosomal dominant inheritance. Affected: yes. Observed: 1 heterozygote.
Comment: The variant NM_000267.3:c.3206_3207dup p.(Gln1070Thrfs*8), detected in heterozygosity in the NF1 gene, has not been described in the literature nor in the gnomAD population database at the time of this submission. This variant results in a frameshift and the introduction of a premature stop codon, which is expected to produce a truncated protein and/or its loss of expression due to mRNA degradation. With the information currently available, this variant should be classified as probably pathogenic with the following ACMG codes: PVS1; PM2_supporting.